The following is an entry in ClinVar:

ClinVar aggregate classification (germline): Likely pathogenic (1 of 4 stars; one submission).

Conditions:
Early-infantile DEE. Also called: Early infantile epileptic encephalopathy; Early infantile epileptic encephalopathy with suppression bursts; Ohtahara syndrome. Identifiers: Orphanet 1934, MedGen C0393706, MONDO:0800491.

Submission:

Labcorp Genetics (formerly Invitae), Labcorp
Classification: Likely pathogenic for Early-infantile DEE. Last evaluated: 2017-01-12. Review status: criteria provided, single submitter. Criteria: Invitae Variant Classification Sherloc (09022015). Collection method: clinical testing. Allele origin: germline.
Comment: In summary, this is a novel frameshift variant that occurs upstream of a previously described pathogenic frameshift variant. This evidence indicates that the variant is also pathogenic, but additional data is needed to prove that conclusively. Therefore, this variant has been classified as Likely Pathogenic. A different frameshift downstream of this variant (p.Cys744Leufs*91) has been determined to be pathogenic (PMID: 23692823). This suggests that disruption of this region of the KCNQ2 protein is causative of disease. This variant is not present in population databases (ExAC no frequency) and has not been reported in the literature in individuals with a KCNQ2-related disease. This sequence change inserts 7 nucleotides in exon 17 of the KCNQ2 mRNA (c.2173_2179dupCGCCAGG), causing a frameshift at codon 727. This creates a premature translational stop signal in the last exon of the KCNQ2 mRNA (p.Gly727Alafs*140). While this is not anticipated to result in nonsense mediated decay, it is expected to disrupt the last 145 amino acids of the KCNQ2 protein.

Literature cited by the submitters: PubMed 23692823.

NM_172107.4(KCNQ2):c.2173_2179dup (p.Gly727fs)

Gene: KCNQ2 (potassium voltage-gated channel subfamily Q member 2; minus strand). Cytogenetic location: 20q13.33.
Variant type: Duplication.
Coding change: c.2173_2179dup on transcript NM_172107.4 (MANE Select); coding-DNA positions 2173 to 2179, 7 bases duplicated (CGCCAGG; older notation c.2173_2179dupCGCCAGG).
Protein change: p.Gly727fs; shifts the reading frame from glycine 727.
Molecular consequence: frameshift variant.
Genome position (GRCh38, 1-based): chr20:63,407,084-63,407,090, CCTGGCG duplicated on the plus strand (CGCCAGG on the coding strand, the reverse complement: KCNQ2 is on the minus strand); duplicating any 7 consecutive bases within chr20:63,407,084-63,407,091 gives the same sequence; the c. name uses the placement nearest the transcript's 3' end. VCF-style (leftmost placement, unchanged base first): chr20-63407083-C-CCCTGGCG. GRCh37 (hg19) VCF-style: chr20-62038436-C-CCCTGGCG.
Other names: c.2089_2095dup, p.Gly699fs (NM_004518.6); c.2119_2125dup, p.Gly709fs (NM_172106.3); c.2080_2086dup, p.Gly696fs (NM_172108.5); short protein forms G699fs, G727fs, G696fs, G709fs.
Identifiers: ClinVar variation 405212 (VCV000405212.9), dbSNP rs1060500603, ClinGen allele CA16616477.